The following is an entry in ClinVar:

NM_002520.7(NPM1):c.-1G>T

Gene: NPM1 (nucleophosmin 1; plus strand). Cytogenetic location: 5q35.1.
Variant type: single nucleotide variant.
Coding change: c.-1G>T on transcript NM_002520.7 (MANE Select); 1 bases upstream of the start codon, G replaced by T.
Molecular consequence: 5 prime UTR variant. On other transcripts: non-coding transcript variant (1).
Genome position (GRCh38, 1-based): chr5:171,387,948, G>T. VCF-style: chr5-171387948-G-T. GRCh37 (hg19) VCF-style: chr5-170814952-G-T.
Other names: c.-1G>T (NM_001037738.3, NM_001355006.2, NM_001355009.2 and 2 more transcripts); c.-113G>T (NM_001355007.2).
Identifiers: ClinVar variation 133371 (VCV000133371.1), dbSNP rs587777962, ClinGen allele CA156461.

ClinVar aggregate classification (germline): not provided (0 of 4 stars; one submission).

gnomAD v4.1: 2 of 1,611,958 alleles (0.00012%); highest among the groups gnomAD compares: Non-Finnish European, 0.00017%; no homozygotes.

Submission:

ITMI
No classification provided. Condition: AllHighlyPenetrant. Last evaluated: 2013-09-19. Review status: no classification provided. Collection method: reference population. Allele origin: germline.
Comment: Please see associated publication for description of ethnicities

Literature cited by the submitters: PubMed 24728327.